The following is an entry in ClinVar:

NM_000264.5(PTCH1):c.1751A>G (p.Asn584Ser)

Genes: PTCH1 (patched 1; minus strand), LOC100507346 (uncharacterized LOC100507346; plus strand). Cytogenetic location: 9q22.32.
Variant type: single nucleotide variant.
Coding change: c.1751A>G on transcript NM_000264.5 (MANE Select); coding-DNA position 1751, A replaced by G.
Protein change: p.Asn584Ser; replaces asparagine 584 with serine.
Molecular consequence: missense variant. On other transcripts: non-coding transcript variant (2).
Genome position (GRCh38, 1-based): chr9:95,469,909, T>C on the plus strand (A>G on the coding strand, the complement: PTCH1 is on the minus strand). VCF-style: chr9-95469909-T-C. GRCh37 (hg19) VCF-style: chr9-98232191-T-C.
Other names: c.1553A>G, p.Asn518Ser (NM_001083602.3); c.1748A>G, p.Asn583Ser (NM_001083603.3); c.1298A>G, p.Asn433Ser (NM_001083604.3, NM_001083605.3, NM_001083606.3 and 1 more transcripts); c.1595A>G, p.Asn532Ser (NM_001354918.2); short protein forms N583S, N584S, N433S, N518S, N532S.
Identifiers: ClinVar variation 4146897 (VCV004146897.1).

ClinVar aggregate classification (germline): Uncertain significance (1 of 4 stars; one submission).

Conditions:
Hereditary cancer-predisposing syndrome. Also called: Hereditary neoplastic syndrome; Neoplastic Syndromes, Hereditary; Tumor predisposition; Hereditary Cancer Syndrome. Identifiers: Orphanet 140162, MedGen C0027672, MeSH D009386, MONDO:0015356.

gnomAD v4.1: 1 of 1,613,972 alleles (0.000062%); no homozygotes.

Submission:

Ambry Genetics
Classification: Uncertain significance for Hereditary cancer-predisposing syndrome. Last evaluated: 2025-08-23. Review status: criteria provided, single submitter. Criteria: Ambry Variant Classification Scheme 2023. Collection method: clinical testing. Allele origin: germline.
Comment: The p.N584S variant (also known as c.1751A>G), located in coding exon 13 of the PTCH1 gene, results from an A to G substitution at nucleotide position 1751. The asparagine at codon 584 is replaced by serine, an amino acid with highly similar properties. This amino acid position is conserved. In addition, the in silico prediction for this alteration is inconclusive. Based on the available evidence, the clinical significance of this variant remains unclear.